The following is an entry in ClinVar:

ClinVar aggregate classification (germline): Uncertain significance (1 of 4 stars; one submission).

Allele frequency attached by ClinVar (database versions not stated): gnomAD exomes 0.00001; ExAC 0.00002.

Submissions (2):

Labcorp Genetics (formerly Invitae), Labcorp
Classification: Uncertain significance. Last evaluated: 2023-03-07. Review status: criteria provided, single submitter. Criteria: Invitae Variant Classification Sherloc (09022015). Collection method: clinical testing. Allele origin: germline.
Comment: In summary, the available evidence is currently insufficient to determine the role of this variant in disease. Therefore, it has been classified as a Variant of Uncertain Significance. Algorithms developed to predict the effect of sequence changes on RNA splicing suggest that this variant may disrupt the consensus splice site. This variant has not been reported in the literature in individuals affected with KIF20A-related conditions. This variant is present in population databases (rs765678263, gnomAD 0.006%). This sequence change affects a donor splice site in intron 13 of the KIF20A gene. It is expected to disrupt RNA splicing. Variants that disrupt the donor or acceptor splice site typically lead to a loss of protein function (PMID: 16199547), however the current clinical and genetic evidence is not sufficient to establish whether loss-of-function variants in KIF20A cause disease.

Dr. Peter K. Rogan Lab, Western University
No classification provided (evidence only). Condition: Malignant tumor of urinary bladder. Review status: no classification provided. Collection method: in vitro. Allele origin: not applicable. Functional consequence: skipped exon, retained intron. Not counted in ClinVar's aggregate classification.

Literature cited by the submitters: PubMed 16199547 (cited by Labcorp Genetics (formerly Invitae), Labcorp).

NM_005733.3(KIF20A):c.1683+1G>A

Gene: KIF20A (kinesin family member 20A; plus strand). Cytogenetic location: 5q31.2.
Variant type: single nucleotide variant.
Coding change: c.1683+1G>A on transcript NM_005733.3 (MANE Select); the canonical splice donor site of the intron after coding-DNA position 1683, G replaced by A.
Molecular consequence: splice donor variant.
Genome position (GRCh38, 1-based): chr5:138,184,677, G>A. VCF-style: chr5-138184677-G-A. GRCh37 (hg19) VCF-style: chr5-137520366-G-A.
Identifiers: ClinVar variation 2994812 (VCV002994812.4), dbSNP rs765678263, ClinGen allele CA3426668.